The following is an entry in ClinVar:

NM_006254.4(PRKCD):c.630C>T (p.Gly210=)

Gene: PRKCD (protein kinase C delta; plus strand). Cytogenetic location: 3p21.1.
Variant type: single nucleotide variant.
Coding change: c.630C>T on transcript NM_006254.4 (MANE Select); coding-DNA position 630, C replaced by T.
Protein change: p.Gly210=; no amino-acid change (glycine 210 retained).
Molecular consequence: synonymous variant.
Genome position (GRCh38, 1-based): chr3:53,183,179, C>T. VCF-style: chr3-53183179-C-T. GRCh37 (hg19) VCF-style: chr3-53217195-C-T.
Other names: c.630C>T, p.Gly210= (NM_001316327.2, NM_001354679.2, NM_001354680.2 and 1 more transcripts); c.687C>T, p.Gly229= (NM_001354676.2); c.678C>T, p.Gly226= (NM_001354678.2).
Identifiers: ClinVar variation 3712358 (VCV003712358.2).

ClinVar aggregate classification (germline): Conflicting classifications of pathogenicity. Review status: criteria provided, conflicting classifications (1 of 4 stars). 2 submissions from 2 submitters: Uncertain significance (1); Likely benign (1). Last evaluated 2025-02-02.

Conditions:
Autoimmune lymphoproliferative syndrome, type III caused by mutation in PRKCD. Identifiers: Orphanet 3261, Orphanet 664711, MedGen C3809928, MONDO:8000024, OMIM 615559.

gnomAD v4.1: 49 of 1,614,100 alleles (0.003%); highest among the groups gnomAD compares: Non-Finnish European, 0.0037%; no homozygotes.

Submissions (2):

Labcorp Genetics (formerly Invitae), Labcorp
Classification: Uncertain significance for Autoimmune lymphoproliferative syndrome, type III caused by mutation in PRKCD. Last evaluated: 2025-02-02. Review status: criteria provided, single submitter. Criteria: Invitae Variant Classification Sherloc (09022015). Collection method: clinical testing. Allele origin: germline.
Comment: This sequence change affects codon 210 of the PRKCD mRNA. It is a 'silent' change, meaning that it does not change the encoded amino acid sequence of the PRKCD protein. This variant is present in population databases (rs151199013, gnomAD 0.004%). This variant has not been reported in the literature in individuals affected with PRKCD-related conditions. Algorithms developed to predict the effect of sequence changes on RNA splicing suggest that this variant may create or strengthen a splice site. In summary, the available evidence is currently insufficient to determine the role of this variant in disease. Therefore, it has been classified as a Variant of Uncertain Significance.

Blueprint Genetics
Classification: Likely benign. Last evaluated: 2024-04-25. Review status: criteria provided, single submitter. Criteria: ACMG Guidelines, 2015. Collection method: clinical testing. Allele origin: germline.